The following is an entry in ClinVar:

ClinVar aggregate classification (germline): Conflicting classifications of pathogenicity. Review status: criteria provided, conflicting classifications (1 of 4 stars). 4 submissions from 4 submitters: Uncertain significance (1); Likely benign (3). Last evaluated 2025-10-22.

Conditions:
SETD5-related disorder. Also called: SETD5-related disorders; SETD5-related condition.
Inborn genetic diseases. Identifiers: MedGen C0950123, MeSH D030342.

Allele frequency attached by ClinVar (database versions not stated): gnomAD 0.00002 and 0.00003; gnomAD exomes 0.00002; ExAC 0.00003; TOPMed 0.00004; 1000 Genomes Project 30x 0.00016; 1000 Genomes Project 0.00020.
gnomAD v4.1: 32 of 1,613,136 alleles (0.002%); highest among the groups gnomAD compares: East Asian, 0.0089%; no homozygotes.

Submissions (4):

PreventionGenetics, part of Exact Sciences
Classification: Likely benign for SETD5-related condition. Last evaluated: 2025-10-22. Review status: criteria provided, single submitter. Criteria: ACMG Guidelines, 2015. Collection method: clinical testing. Allele origin: germline.
Comment: This variant is classified as likely benign based on ACMG/AMP sequence variant interpretation guidelines (Richards et al. 2015 PMID: 25741868, with internal and published modifications).

Labcorp Genetics (formerly Invitae), Labcorp
Classification: Likely benign. Last evaluated: 2025-08-19. Review status: criteria provided, single submitter. Criteria: Invitae Variant Classification Sherloc (09022015). Collection method: clinical testing. Allele origin: germline.

Ambry Genetics
Classification: Likely benign for Inborn genetic diseases. Last evaluated: 2023-12-27. Review status: criteria provided, single submitter. Criteria: Ambry Variant Classification Scheme 2023. Collection method: clinical testing. Allele origin: germline.

CeGaT Center for Human Genetics Tuebingen
Classification: Uncertain significance. Last evaluated: 2023-11-01. Review status: criteria provided, single submitter. Criteria: CeGaT Center For Human Genetics Tuebingen Variant Classification Criteria Version 2. Collection method: clinical testing. Allele origin: germline. Affected: yes. Observed: 1 variant allele.

NM_001080517.3(SETD5):c.13A>G (p.Ile5Val)

Gene: SETD5 (SET domain containing 5; plus strand). Cytogenetic location: 3p25.3.
Variant type: single nucleotide variant.
Coding change: c.13A>G on transcript NM_001080517.3 (MANE Select); coding-DNA position 13, A replaced by G.
Protein change: p.Ile5Val; replaces isoleucine 5 with valine.
Molecular consequence: missense variant. On other transcripts: 5 prime UTR variant (2).
Genome position (GRCh38, 1-based): chr3:9,428,951, A>G. VCF-style: chr3-9428951-A-G. GRCh37 (hg19) VCF-style: chr3-9470635-A-G.
Other names: c.13A>G (NM_001080517.1, NM_001080517.2); c.-546A>G (NM_001292043.2); c.-587A>G (NM_001349451.2); short protein forms I5V.
Identifiers: ClinVar variation 1367201 (VCV001367201.30), dbSNP rs567415895, ClinGen allele CA2238793.